The following is an entry in ClinVar:

ClinVar aggregate classification (germline): Likely benign. Review status: criteria provided, multiple submitters, no conflicts (2 of 4 stars). 3 submissions from 3 submitters: Likely benign (3). Last evaluated 2026-08-01.

Allele frequency attached by ClinVar (database versions not stated): 1000 Genomes Project 30x 0.00250; 1000 Genomes Project 0.00260.
gnomAD v4.1: 1,171 of 1,613,598 alleles (0.073%); highest among the groups gnomAD compares: African/African-American, 1.4%; 11 homozygotes.

Submissions (3):

CeGaT Center for Human Genetics Tuebingen
Classification: Likely benign. Last evaluated: 2026-08-01. Review status: criteria provided, single submitter. Criteria: CeGaT Center For Human Genetics Tuebingen Variant Classification Criteria Version 2. Collection method: clinical testing. Allele origin: germline. Affected: yes. Observed: 4 variant alleles.
Comment: FANCA: BS1

GeneDx
Classification: Likely benign. Last evaluated: 2019-06-12. Review status: criteria provided, single submitter. Criteria: GeneDx Variant Classification Process June 2021. Collection method: clinical testing. Allele origin: germline. Affected: yes.

Breakthrough Genomics
Classification: Likely benign. Review status: criteria provided, single submitter. Criteria: ACMG Guidelines, 2015. Collection method: not provided. Allele origin: germline. Inheritance: Autosomal recessive inheritance. Affected: yes.

NM_000135.4(FANCA):c.4260+80G>T

Genes: FANCA (FA complementation group A; minus strand), ZNF276 (zinc finger protein 276; plus strand). Cytogenetic location: 16q24.3.
Variant type: single nucleotide variant.
Coding change: c.4260+80G>T on transcript NM_000135.4 (MANE Select); 80 bases into the intron after coding-DNA position 4260, G replaced by T.
Molecular consequence: intron variant. On other transcripts: 3 prime UTR variant (2), non-coding transcript variant (4).
Genome position (GRCh38, 1-based): chr16:89,738,802, C>A on the plus strand (G>T on the coding strand, the complement: FANCA is on the minus strand). VCF-style: chr16-89738802-C-A. GRCh37 (hg19) VCF-style: chr16-89805210-C-A.
Other names: c.*556C>A (NM_001113525.2, NM_152287.4); c.4264+80G>T (NM_001286167.3).
Identifiers: ClinVar variation 1215777 (VCV001215777.25), dbSNP rs34602467, ClinGen allele CA8250630.